The following is an entry in ClinVar:

ClinVar aggregate classification (germline): Pathogenic. Review status: criteria provided, multiple submitters, no conflicts (2 of 4 stars). 9 submissions from 9 submitters: Pathogenic (5). 4 of the submissions do not count toward it. Last evaluated 2025-08-01.

Conditions:
PMP22-related disorder. Also called: PMP22-related disorders; PMP22-related condition.
Charcot-Marie-Tooth disease. Also called: Charcot-Marie-Tooth Hereditary Neuropathy; Charcot-Marie-Tooth Neuropathy. Identifiers: Orphanet 166, MedGen C0007959, MONDO:0015626.
Charcot-Marie-Tooth disease, type I (CMT1). Also called: Charcot-Marie-Tooth disease type 1; Charcot-Marie-Tooth, Type 1. Identifiers: Orphanet 65753, MedGen C0751036, MONDO:0019011.
Charcot-Marie-Tooth disease type 1E. Also called: CHARCOT-MARIE-TOOTH DISEASE, DEMYELINATING, TYPE 1E; CHARCOT-MARIE-TOOTH NEUROPATHY AND DEAFNESS, AUTOSOMAL DOMINANT; Charcot-Marie-Tooth disease and deafness; Charcot-Marie-Tooth Neuropathy Type 1E. Identifiers: Orphanet 90658, MedGen C3495591, MONDO:0007311, OMIM 118300.
Charcot-Marie-Tooth disease, type IA (CMT1A). Also called: CHARCOT-MARIE-TOOTH DISEASE, AUTOSOMAL DOMINANT, WITH FOCALLY FOLDED MYELIN SHEATHS, TYPE 1A; CHARCOT-MARIE-TOOTH NEUROPATHY, TYPE 1A; Charcot-Marie-Tooth disease type 1A; CMT 1A; Hereditary motor and sensory neuropathy 1A; HMSN 1A. Identifiers: Orphanet 101081, MedGen C0270911, MONDO:0007309, OMIM 118220.

Submissions (9):

GeneDx
Classification: Pathogenic. Last evaluated: 2025-08-01. Review status: criteria provided, single submitter. Criteria: GeneDx Variant Classification Process June 2021. Collection method: clinical testing. Allele origin: germline. Affected: yes.
Comment: Frameshift variant predicted to result in abnormal protein length as the last 67 amino acid(s) are replaced with 16 different amino acid(s), and other similar variants have been reported in HGMD; Not observed at significant frequency in large population cohorts (gnomAD); This variant is associated with the following publications: (PMID: 35886002, 9324088, 11545686, 11835375, 26392352, 19067730, 35938991, 39973457)

3billion
Classification: Pathogenic for Charcot-Marie-Tooth disease, type IA. Last evaluated: 2025-07-18. Review status: criteria provided, single submitter. Criteria: ACMG Guidelines, 2015. Collection method: clinical testing. Allele origin: germline. Affected: yes.
Comment: The variant is not observed in the gnomAD v4.1.0 dataset. Predicted Consequence/Location: Frameshift: predicted to result in a loss or disruption of normal protein function through protein truncation. The predicted truncated protein may be shortened by more than 10% and a dominant negative effect has been reported near truncated region. The variant has been previously reported as de novo in a similarly affected individual (PMID: 19067730). The variant has been observed in at least two similarly affected unrelated individuals (PMID: 11545686, 19067730, 26392352). The variant has been reported at least twice as pathogenic without evidence for the classification (ClinVar ID: VCV000030158 /PMID: 9324088 /3billion dataset). Therefore, this variant is classified as Pathogenic according to the recommendation of ACMG/AMP guideline.

Labcorp Genetics (formerly Invitae), Labcorp
Classification: Pathogenic for Charcot-Marie-Tooth disease, type I. Last evaluated: 2024-10-22. Review status: criteria provided, single submitter. Criteria: Invitae Variant Classification Sherloc (09022015). Collection method: clinical testing. Allele origin: germline.
Comment: This sequence change creates a premature translational stop signal (p.Gly94Alafs*17) in the PMP22 gene. While this is not anticipated to result in nonsense mediated decay, it is expected to disrupt the last 67 amino acid(s) of the PMP22 protein. This variant is not present in population databases (gnomAD no frequency). This premature translational stop signal has been observed in individual(s) with CMT and Dejerine−Sottas syndrome (PMID: 9324088, 11545686, 11835375, 19067730, 26392352). In at least one individual the variant was observed to be de novo. ClinVar contains an entry for this variant (Variation ID: 30158). For these reasons, this variant has been classified as Pathogenic.

Blueprint Genetics
Classification: Pathogenic for PMP22-related disorders. Last evaluated: 2024-09-15. Review status: criteria provided, single submitter. Criteria: ACMG Guidelines, 2015. Collection method: clinical testing. Allele origin: de novo. Affected: yes. Observed: 1 variant allele.

Mayo Clinic Laboratories, Mayo Clinic
Classification: Pathogenic. Last evaluated: 2020-07-30. Review status: criteria provided, single submitter. Criteria: ACMG Guidelines, 2015. Collection method: clinical testing. Allele origin: germline. Observed: 1 variant allele.
Comment: PVS1_Strong, PS4_Moderate, PM2, PM6, PP4

Genesis Genome Database
Classification: Uncertain significance for Charcot-Marie-Tooth disease. Last evaluated: 2019-08-14. Review status: no assertion criteria provided. Collection method: research. Allele origin: germline. Affected: yes. Not counted in ClinVar's aggregate classification.

Department of Rehabilitation Medicine, Incheon St. Mary’s Hospital, College of Medicine, The Catholic University of Korea
Classification: Pathogenic for Charcot-Marie-Tooth disease type 1E. Last evaluated: 2019-02-11. Review status: no assertion criteria provided. Collection method: research. Allele origin: unknown. Inheritance: Autosomal dominant inheritance. Affected: yes. Observed: 1 heterozygote. Not counted in ClinVar's aggregate classification.

OMIM
Classification: Pathogenic for CHARCOT-MARIE-TOOTH DISEASE, TYPE 1A. Last evaluated: 2009-03-01. Review status: no assertion criteria provided. Collection method: literature only. Allele origin: germline. Not counted in ClinVar's aggregate classification.

Inherited Neuropathy Consortium
Classification: Uncertain significance for Charcot-Marie-Tooth disease. Review status: no assertion criteria provided. Collection method: literature only. Allele origin: germline. Affected: yes. Not counted in ClinVar's aggregate classification.

Literature cited by the submitters: PubMed 9324088 (cited by 3 submitters); PubMed 19067730 (cited by 4 submitters); PubMed 26392352 (cited by 3billion and Labcorp Genetics (formerly Invitae), Labcorp); PubMed 11545686 (cited by 3billion and Labcorp Genetics (formerly Invitae), Labcorp); PubMed 11835375 (cited by 3 submitters).

NM_000304.4(PMP22):c.281del (p.Gly94fs)

Gene: PMP22 (peripheral myelin protein 22; minus strand). Cytogenetic location: 17p12.
Variant type: Deletion.
Coding change: c.281del on transcript NM_000304.4 (MANE Select); coding-DNA position 281, one base deleted (G; older notation c.281delG).
Protein change: p.Gly94fs; shifts the reading frame from glycine 94.
Molecular consequence: frameshift variant. On other transcripts: non-coding transcript variant (2).
Genome position (GRCh38, 1-based): chr17:15,239,509, C deleted on the plus strand (G on the coding strand, the reverse complement: PMP22 is on the minus strand); the first of 6 consecutive C bases (chr17:15,239,509-15,239,514); deleting any one gives the same sequence. VCF-style (leftmost placement, unchanged base first): chr17-15239508-GC-G. GRCh37 (hg19) VCF-style: chr17-15142825-GC-G.
Other names: c.281del, p.Gly94fs (NM_001281455.2, NM_001281456.2, NM_001330143.2 and 2 more transcripts); c.281del (NM_000304.3, NM_000304.2); short protein forms G94fs.
Identifiers: ClinVar variation 30158 (VCV000030158.16), dbSNP rs80338763, ClinGen allele CA259755.